The following is an entry in ClinVar:

NM_000138.5(FBN1):c.2762G>A (p.Cys921Tyr)

Gene: FBN1 (fibrillin 1; minus strand). Cytogenetic location: 15q21.1.
Variant type: single nucleotide variant.
Coding change: c.2762G>A on transcript NM_000138.5 (MANE Select); coding-DNA position 2762, G replaced by A.
Protein change: p.Cys921Tyr; replaces cysteine 921 with tyrosine.
Molecular consequence: missense variant.
Genome position (GRCh38, 1-based): chr15:48,492,553, C>T on the plus strand (G>A on the coding strand, the complement: FBN1 is on the minus strand). VCF-style: chr15-48492553-C-T. GRCh37 (hg19) VCF-style: chr15-48784750-C-T.
Other names: c.2762G>A, p.Cys921Tyr (NM_001406716.1); short protein forms C921Y.
Identifiers: ClinVar variation 1325485 (VCV001325485.11), dbSNP rs2141300460, ClinGen allele CA392330786.

ClinVar aggregate classification (germline): Pathogenic. Review status: criteria provided, multiple submitters, no conflicts (2 of 4 stars). 2 submissions from 2 submitters: Pathogenic (2). Last evaluated 2023-12-11.

Conditions:
Marfan syndrome (MFS). Also called: Marfan syndrome type 1; Marfan's syndrome; FBN1-Related Marfan Syndrome; MARFAN SYNDROME, TYPE I; Marfan syndrome, classic. Identifiers: Orphanet 284963, Orphanet 558, MedGen C0024796, MONDO:0007947, OMIM 154700.
Familial thoracic aortic aneurysm and aortic dissection (TAAD). Also called: Thoracic aortic aneurysms and dissections. Identifiers: Orphanet 91387, MedGen C4707243, MONDO:0019625.

Submissions (2):

Labcorp Genetics (formerly Invitae), Labcorp
Classification: Pathogenic for Marfan syndrome; Familial thoracic aortic aneurysm and aortic dissection. Last evaluated: 2023-12-11. Review status: criteria provided, single submitter. Criteria: Invitae Variant Classification Sherloc (09022015). Collection method: clinical testing. Allele origin: germline.
Comment: This sequence change replaces cysteine, which is neutral and slightly polar, with tyrosine, which is neutral and polar, at codon 921 of the FBN1 protein (p.Cys921Tyr). This variant is not present in population databases (gnomAD no frequency). This missense change has been observed in individual(s) with clinical features of FBN1-related conditions (PMID: 25652356). ClinVar contains an entry for this variant (Variation ID: 1325485). Advanced modeling of protein sequence and biophysical properties (such as structural, functional, and spatial information, amino acid conservation, physicochemical variation, residue mobility, and thermodynamic stability) performed at Invitae indicates that this missense variant is expected to disrupt FBN1 protein function with a positive predictive value of 95%. This variant affects a cysteine residue in the EGF-like, TGFBP or hybrid motif domains of FBN1. Cysteine residues are believed to be involved in intramolecular disulfide bridges and have been shown to be important for FBN1 protein structure (PMID: 16905551, 19349279). In addition, missense substitutions affecting cysteine residues within these domains are significantly overrepresented among patients with Marfan syndrome (PMID: 16571647, 17701892). This variant disrupts the p.Cys921 amino acid residue in FBN1. Other variant(s) that disrupt this residue have been observed in individuals with FBN1-related conditions (PMID: 12203987, 35612688), which suggests that this may be a clinically significant amino acid residue. For these reasons, this variant has been classified as Pathogenic.

Centre of Medical Genetics, University of Antwerp
Classification: Pathogenic for Marfan syndrome. Last evaluated: 2021-03-01. Review status: criteria provided, single submitter. Criteria: Submitter's publication. Collection method: research. Allele origin: unknown. Affected: yes.
Comment: PM2, PVS2, PP4

Literature cited by the submitters: PubMed 25652356 (cited by Labcorp Genetics (formerly Invitae), Labcorp); PubMed 16905551 (cited by Labcorp Genetics (formerly Invitae), Labcorp); PubMed 19349279 (cited by Labcorp Genetics (formerly Invitae), Labcorp); PubMed 16571647 (cited by Labcorp Genetics (formerly Invitae), Labcorp); PubMed 17701892 (cited by Labcorp Genetics (formerly Invitae), Labcorp); PubMed 12203987 (cited by Labcorp Genetics (formerly Invitae), Labcorp); PubMed 35612688 (cited by Labcorp Genetics (formerly Invitae), Labcorp).